The following is an entry in ClinVar:

GRCh37/hg19 21q21.2-21.3(chr21:25394630-31276879)x3

Genes: ADAMTS1 (ADAM metallopeptidase with thrombospondin type 1 motif 1; minus strand), ADAMTS5 (ADAM metallopeptidase with thrombospondin type 1 motif 5; minus strand), APP (amyloid beta precursor protein; minus strand), ATP5PF (ATP synthase peripheral stalk subunit F6; minus strand), BACH1 (BTB domain and CNC homolog 1; plus strand) and 12 more. Cytogenetic location: 21q21.2-21.3.
Variant type: copy number gain.
Change: copy number 3 (three copies instead of two) of chr21:25,394,630-31,276,879 (5.88 Mb, GRCh37 coordinates, 1-based), cytogenetic band 21q21.2-21.3.
Identifiers: ClinVar variation 4682979 (VCV004682979.1).

ClinVar aggregate classification (germline): Pathogenic (1 of 4 stars; one submission).

Submission:

Quest Diagnostics Nichols Institute San Juan Capistrano
Classification: Pathogenic. Last evaluated: 2024-11-26. Review status: criteria provided, single submitter. Criteria: ACMG/ClinGen CNV Guidelines, 2019. Collection method: clinical testing. Allele origin: unknown.
Comment: This duplication involves at least 16 protein-coding genes, including APP (OMIM 104760). Heterozygous duplications of 21q21.3 involving APP have been associated with autosomal dominant inherited early-onset Alzheimer disease (ADEOAD; OMIM 104300; CCID:006677; ISCA-46757; Grangeon 2023, Hooli 2012, McNaughton 2012, Wallon 2012). Individuals with similar duplications showed variable phenotypic presentation, even within families (Grangeon 2023, McNaughton 2012). There are no similar copy number gains of this region in the general populations of the Database of Genomic Variants. Therefore, based on current medical literature and gene content, this copy number variant (CNV) is classified as pathogenic. References: Grangeon et al., Alzheimers Res Ther. 2023 May 11;15(1):93. PMID: 37170141 Hooli et al., Neurology. 2012 Apr 17;78(16):1250-7. PMID: 22491860 McNaughton et al., Neurobiol Aging. 2012 Feb;33(2):426.e13-21. PMID: 21193246 Wallon et al., J Alzheimers Dis. 2012;30(4):847-56. PMID: 22475797